The following is an entry in ClinVar:

NM_018972.4(GDAP1):c.544C>T (p.Gln182Ter)

Gene: GDAP1 (ganglioside induced differentiation associated protein 1; plus strand). Cytogenetic location: 8q21.11.
Variant type: single nucleotide variant.
Coding change: c.544C>T on transcript NM_018972.4 (MANE Select); coding-DNA position 544, C replaced by T.
Protein change: p.Gln182Ter; replaces glutamine 182 with a stop codon.
Molecular consequence: nonsense.
Genome position (GRCh38, 1-based): chr8:74,361,943, C>T. VCF-style: chr8-74361943-C-T. GRCh37 (hg19) VCF-style: chr8-75274178-C-T.
Other names: c.340C>T, p.Gln114Ter (NM_001040875.4); c.217C>T, p.Gln73Ter (NM_001362929.2, NM_001362932.2); c.370C>T, p.Gln124Ter (NM_001362930.2); c.544C>T, p.Gln182Ter (NM_001362931.2); short protein forms Q114*, Q124*, Q73*, Q182*.
Identifiers: ClinVar variation 1408842 (VCV001408842.6), dbSNP rs779894269, ClinGen allele CA179735212.

ClinVar aggregate classification (germline): Pathogenic (1 of 4 stars; one submission).

Conditions:
Charcot-Marie-Tooth disease type 4A. Also called: Charcot-Marie-Tooth disease, demyelinating, autosomal recessive, type 4a. Identifiers: Orphanet 99948, MedGen C1859198, MONDO:0008961, OMIM 214400.

Allele frequency attached by ClinVar (database versions not stated): gnomAD exomes below 0.00001; TOPMed below 0.00001; gnomAD 0.00001.
gnomAD v4.1: 2 of 1,607,220 alleles (0.00012%); highest among the groups gnomAD compares: African/African-American, 0.0013%; no homozygotes.

Submission:

Labcorp Genetics (formerly Invitae), Labcorp
Classification: Pathogenic for Charcot-Marie-Tooth disease type 4A. Last evaluated: 2024-02-24. Review status: criteria provided, single submitter. Criteria: Invitae Variant Classification Sherloc (09022015). Collection method: clinical testing. Allele origin: germline.
Comment: This sequence change creates a premature translational stop signal (p.Gln182*) in the GDAP1 gene. It is expected to result in an absent or disrupted protein product. Loss-of-function variants in GDAP1 are known to be pathogenic (PMID: 11743580). This variant is not present in population databases (gnomAD no frequency). This variant has not been reported in the literature in individuals affected with GDAP1-related conditions. ClinVar contains an entry for this variant (Variation ID: 1408842). For these reasons, this variant has been classified as Pathogenic.

Literature cited by the submitters: PubMed 11743580.